The following is an entry in ClinVar:

NM_001005273.3(CHD3):c.2627G>T (p.Arg876Leu)

Gene: CHD3 (chromodomain helicase DNA binding protein 3; plus strand). Cytogenetic location: 17p13.1.
Variant type: single nucleotide variant.
Coding change: c.2627G>T on transcript NM_001005273.3 (MANE Select); coding-DNA position 2627, G replaced by T.
Protein change: p.Arg876Leu; replaces arginine 876 with leucine.
Molecular consequence: missense variant.
Genome position (GRCh38, 1-based): chr17:7,899,978, G>T. VCF-style: chr17-7899978-G-T. GRCh37 (hg19) VCF-style: chr17-7803296-G-T.
Other names: c.2804G>T, p.Arg935Leu (NM_001005271.3); c.2627G>T, p.Arg876Leu (NM_005852.4); short protein forms R876L, R935L.
Identifiers: ClinVar variation 2631023 (VCV002631023.1), dbSNP rs2544939182, ClinGen allele CA397939856.
Genomic context (GRCh38, chr17:7,899,978, plus strand): 5'-ATGTTCTCCTGACATCGTATGAGCTGATCACCATTGATCAGGCAGCACTTGGTTCCATCC[G>T]CTGGGCCTGTCTTGTGGTAGATGAGGCCCATCGACTCAAGAACAACCAGTCCAAGGTGAG-3'
Protein context (NP_001005273.1, residues 866-886): TIDQAALGSI[Arg876Leu]WACLVVDEAH

ClinVar aggregate classification (germline): Uncertain significance (1 of 4 stars; one submission).

Conditions:
CHD3-related disorder. Also called: CHD3-related condition.

gnomAD v4.1: 4 of 1,614,110 alleles (0.00025%); highest among the groups gnomAD compares: Non-Finnish European, 0.00025%; no homozygotes.

Submission:

PreventionGenetics, part of Exact Sciences
Classification: Uncertain significance for CHD3-related condition. Last evaluated: 2023-09-22. Review status: criteria provided, single submitter. Criteria: ACMG Guidelines, 2015. Collection method: clinical testing. Allele origin: germline.
Comment: The CHD3 c.2804G>T variant is predicted to result in the amino acid substitution p.Arg935Leu. To our knowledge, this variant has not been reported in the literature or in a large population database, indicating this variant is rare. At this time, the clinical significance of this variant is uncertain due to the absence of conclusive functional and genetic evidence.